The following is an entry in ClinVar:

ClinVar aggregate classification (germline): Uncertain significance (1 of 4 stars; one submission).

gnomAD v4.1: 1 of 1,581,528 alleles (0.000063%); highest among the groups gnomAD compares: Non-Finnish European, 0.000086%; no homozygotes.

Submission:

GeneDx
Classification: Uncertain significance. Last evaluated: 2023-11-29. Review status: criteria provided, single submitter. Criteria: GeneDx Variant Classification Process June 2021. Collection method: clinical testing. Allele origin: germline. Affected: yes.
Comment: Not observed at significant frequency in large population cohorts (gnomAD); In silico analysis supports that this missense variant does not alter protein structure/function; Has not been previously published as pathogenic or benign to our knowledge

NM_004370.6(COL12A1):c.4133G>C (p.Ser1378Thr)

Gene: COL12A1 (collagen type XII alpha 1 chain; minus strand). Cytogenetic location: 6q13.
Variant type: single nucleotide variant.
Coding change: c.4133G>C on transcript NM_004370.6 (MANE Select); coding-DNA position 4133, G replaced by C.
Protein change: p.Ser1378Thr; replaces serine 1378 with threonine.
Molecular consequence: missense variant.
Genome position (GRCh38, 1-based): chr6:75,151,155, C>G on the plus strand (G>C on the coding strand, the complement: COL12A1 is on the minus strand). VCF-style: chr6-75151155-C-G. GRCh37 (hg19) VCF-style: chr6-75860871-C-G.
Other names: c.4133G>C, p.Ser1378Thr (NM_001424113.1, NM_001424114.1); c.3860G>C, p.Ser1287Thr (NM_001424115.1); c.641G>C, p.Ser214Thr (NM_001424116.1, NM_080645.3); short protein forms S1287T, S1378T, S214T.
Identifiers: ClinVar variation 3364916 (VCV003364916.1).